The following is an entry in ClinVar:

NM_172107.4(KCNQ2):c.2243A>C (p.His748Pro)

Gene: KCNQ2 (potassium voltage-gated channel subfamily Q member 2; minus strand). Cytogenetic location: 20q13.33.
Variant type: single nucleotide variant.
Coding change: c.2243A>C on transcript NM_172107.4 (MANE Select); coding-DNA position 2243, A replaced by C.
Protein change: p.His748Pro; replaces histidine 748 with proline.
Molecular consequence: missense variant.
Genome position (GRCh38, 1-based): chr20:63,407,020, T>G on the plus strand (A>C on the coding strand, the complement: KCNQ2 is on the minus strand). VCF-style: chr20-63407020-T-G. GRCh37 (hg19) VCF-style: chr20-62038373-T-G.
Other names: c.2297A>C, p.His766Pro (NM_001382235.1); c.2159A>C, p.His720Pro (NM_004518.6); c.2189A>C, p.His730Pro (NM_172106.3); c.2150A>C, p.His717Pro (NM_172108.5); short protein forms H748P, H720P, H730P, H766P, H717P.
Identifiers: ClinVar variation 2795643 (VCV002795643.3), dbSNP rs1356856487, ClinGen allele CA409638271.

ClinVar aggregate classification (germline): Uncertain significance (1 of 4 stars; one submission).

Conditions:
Early-infantile DEE. Also called: Early infantile epileptic encephalopathy; Early infantile epileptic encephalopathy with suppression bursts; Ohtahara syndrome. Identifiers: Orphanet 1934, MedGen C0393706, MONDO:0800491.

Allele frequency attached by ClinVar (database versions not stated): TOPMed below 0.00001.

Submission:

Labcorp Genetics (formerly Invitae), Labcorp
Classification: Uncertain significance for Early-infantile DEE. Last evaluated: 2023-01-19. Review status: criteria provided, single submitter. Criteria: Invitae Variant Classification Sherloc (09022015). Collection method: clinical testing. Allele origin: germline.
Comment: In summary, the available evidence is currently insufficient to determine the role of this variant in disease. Therefore, it has been classified as a Variant of Uncertain Significance. Algorithms developed to predict the effect of missense changes on protein structure and function are either unavailable or do not agree on the potential impact of this missense change (SIFT: "Deleterious"; PolyPhen-2: "Benign"; Align-GVGD: "Class C0"). This variant has not been reported in the literature in individuals affected with KCNQ2-related conditions. This variant is not present in population databases (gnomAD no frequency). This sequence change replaces histidine, which is basic and polar, with proline, which is neutral and non-polar, at codon 748 of the KCNQ2 protein (p.His748Pro).